The following is an entry in ClinVar:

ClinVar aggregate classification (germline): Uncertain significance (1 of 4 stars; one submission).

gnomAD v4.1: 7 of 1,613,910 alleles (0.00043%); highest among the groups gnomAD compares: African/African-American, 0.0013%; no homozygotes.

Submission:

Labcorp Genetics (formerly Invitae), Labcorp
Classification: Uncertain significance. Last evaluated: 2022-08-31. Review status: criteria provided, single submitter. Criteria: Invitae Variant Classification Sherloc (09022015). Collection method: clinical testing. Allele origin: germline.
Comment: This sequence change replaces glycine, which is neutral and non-polar, with aspartic acid, which is acidic and polar, at codon 267 of the C8B protein (p.Gly267Asp). This variant is present in population databases (no rsID available, gnomAD 0.007%). This variant has not been reported in the literature in individuals affected with C8B-related conditions. ClinVar contains an entry for this variant (Variation ID: 1475725). Algorithms developed to predict the effect of missense changes on protein structure and function are either unavailable or do not agree on the potential impact of this missense change (SIFT: "Deleterious"; PolyPhen-2: "Probably Damaging"; Align-GVGD: "Class C15"). In summary, the available evidence is currently insufficient to determine the role of this variant in disease. Therefore, it has been classified as a Variant of Uncertain Significance.

NM_000066.4(C8B):c.800G>A (p.Gly267Asp)

Gene: C8B (complement C8 beta chain; minus strand). Cytogenetic location: 1p32.2.
Variant type: single nucleotide variant.
Coding change: c.800G>A on transcript NM_000066.4 (MANE Select); coding-DNA position 800, G replaced by A.
Protein change: p.Gly267Asp; replaces glycine 267 with aspartic acid.
Molecular consequence: missense variant.
Genome position (GRCh38, 1-based): chr1:56,949,619, C>T on the plus strand (G>A on the coding strand, the complement: C8B is on the minus strand). VCF-style: chr1-56949619-C-T. GRCh37 (hg19) VCF-style: chr1-57415292-C-T.
Other names: c.644G>A, p.Gly215Asp (NM_001278543.2); c.614G>A, p.Gly205Asp (NM_001278544.2); short protein forms G205D, G215D, G267D.
Identifiers: ClinVar variation 1475725 (VCV001475725.3), dbSNP rs770553711, ClinGen allele CA22873779.